The following is an entry in ClinVar:

ClinVar aggregate classification (germline): Uncertain significance (1 of 4 stars; one submission).

Conditions:
Inborn genetic diseases. Identifiers: MedGen C0950123, MeSH D030342.

Submission:

Ambry Genetics
Classification: Uncertain significance for Inborn genetic diseases. Last evaluated: 2026-06-02. Review status: criteria provided, single submitter. Criteria: Ambry Variant Classification Scheme 2023. Collection method: clinical testing. Allele origin: germline.
Comment: The p.L1165V variant (also known as c.3493T>G), located in coding exon 35 of the FANCA gene, results from a T to G substitution at nucleotide position 3493. The leucine at codon 1165 is replaced by valine, an amino acid with highly similar properties. This amino acid position is conserved. In addition, this alteration is predicted to be tolerated by in silico analysis. Based on the available evidence, the clinical significance of this variant remains unclear.

NM_000135.4(FANCA):c.3493T>G (p.Leu1165Val)

Gene: FANCA (FA complementation group A; minus strand). Cytogenetic location: 16q24.3.
Variant type: single nucleotide variant.
Coding change: c.3493T>G on transcript NM_000135.4 (MANE Select); coding-DNA position 3493, T replaced by G.
Protein change: p.Leu1165Val; replaces leucine 1165 with valine.
Molecular consequence: missense variant.
Genome position (GRCh38, 1-based): chr16:89,746,604, A>C on the plus strand (T>G on the coding strand, the complement: FANCA is on the minus strand). VCF-style: chr16-89746604-A-C. GRCh37 (hg19) VCF-style: chr16-89813012-A-C.
Other names: c.3493T>G, p.Leu1165Val (NM_001286167.3); short protein forms L1165V.
Identifiers: ClinVar variation 4870900 (VCV004870900.1).